The following is an entry in ClinVar:

ClinVar aggregate classification (germline): Uncertain significance (1 of 4 stars; one submission).

Submission:

Labcorp Genetics (formerly Invitae), Labcorp
Classification: Uncertain significance. Last evaluated: 2022-08-22. Review status: criteria provided, single submitter. Criteria: Invitae Variant Classification Sherloc (09022015). Collection method: clinical testing. Allele origin: germline.
Comment: ClinVar contains an entry for this variant (Variation ID: 1462015). This sequence change affects the initiator methionine of the HOXB13 mRNA. The next in-frame methionine is located at codon 43. This variant is not present in population databases (gnomAD no frequency). This variant has not been reported in the literature in individuals affected with HOXB13-related conditions. Algorithms developed to predict the effect of sequence changes on RNA splicing suggest that this variant may create or strengthen a splice site. In summary, the available evidence is currently insufficient to determine the role of this variant in disease. Therefore, it has been classified as a Variant of Uncertain Significance.

NM_006361.6(HOXB13):c.2T>A (p.Met1Lys)

Gene: HOXB13 (homeobox B13; minus strand). Cytogenetic location: 17q21.32.
Variant type: single nucleotide variant.
Coding change: c.2T>A on transcript NM_006361.6 (MANE Select); coding-DNA position 2, T replaced by A.
Protein change: p.Met1Lys; changes the start codon (methionine 1).
Molecular consequence: missense variant, initiator codon variant.
Genome position (GRCh38, 1-based): chr17:48,728,592, A>T on the plus strand (T>A on the coding strand, the complement: HOXB13 is on the minus strand). VCF-style: chr17-48728592-A-T. GRCh37 (hg19) VCF-style: chr17-46805954-A-T.
Other names: short protein forms M1K.
Identifiers: ClinVar variation 1462015 (VCV001462015.7), dbSNP rs1306684985, ClinGen allele CA400110045.
Genomic context (GRCh38, chr17:48,728,592, plus strand): 5'-GCTCCCAGCAAGCCTTCGATATCCTTGGCTCCATCCAAGGTGGCATAATTGCCGGGCTCC[A>T]TGGAGCCGAGGGTCGGCTCATGAGGTGCGGGGGCGGGGAATCTAGGGGGCACCCAGCTCG-3'
Protein context (NP_006352.2, residues 1-11): [Met1Lys]EPGNYATLDG